The following is an entry in ClinVar:

NM_201548.5(CERKL):c.907C>T (p.Leu303=)

Gene: CERKL (CERK like autophagy regulator; minus strand). Cytogenetic location: 2q31.3.
Variant type: single nucleotide variant.
Coding change: c.907C>T on transcript NM_201548.5 (MANE Select); coding-DNA position 907, C replaced by T.
Protein change: p.Leu303=; no amino-acid change (leucine 303 retained).
Molecular consequence: synonymous variant. On other transcripts: non-coding transcript variant (2).
Genome position (GRCh38, 1-based): chr2:181,548,846, G>A on the plus strand (C>T on the coding strand, the complement: CERKL is on the minus strand). VCF-style: chr2-181548846-G-A. GRCh37 (hg19) VCF-style: chr2-182413573-G-A.
Other names: c.985C>T (NM_001030311.2); c.985C>T, p.Leu329= (NM_001030311.3); c.568C>T, p.Leu190= (NM_001030312.3); c.700C>T, p.Leu234= (NM_001030313.3); c.853C>T, p.Leu285= (NM_001160277.2).
Identifiers: ClinVar variation 1132808 (VCV001132808.10), dbSNP rs756424312, ClinGen allele CA2010611.

ClinVar aggregate classification (germline): Likely benign. Review status: criteria provided, multiple submitters, no conflicts (2 of 4 stars). 2 submissions from 2 submitters: Likely benign (2). Last evaluated 2026-08-17.

Conditions:
CERKL-related disorder. Also called: CERKL-related condition.

Allele frequency attached by ClinVar (database versions not stated): gnomAD exomes below 0.00001 and 0.00001; ExAC 0.00001; gnomAD 0.00001; TOPMed 0.00001.
gnomAD v4.1: 9 of 1,613,634 alleles (0.00056%); highest among the groups gnomAD compares: East Asian, 0.016%; no homozygotes.

Submissions (2):

PreventionGenetics, part of Exact Sciences
Classification: Likely benign for CERKL-related condition. Last evaluated: 2026-08-17. Review status: criteria provided, single submitter. Criteria: ACMG Guidelines, 2015. Collection method: clinical testing. Allele origin: germline.
Comment: This variant is classified as likely benign based on ACMG/AMP sequence variant interpretation guidelines (Richards et al. 2015 PMID: 25741868, with internal and published modifications).

Labcorp Genetics (formerly Invitae), Labcorp
Classification: Likely benign. Last evaluated: 2025-11-16. Review status: criteria provided, single submitter. Criteria: Invitae Variant Classification Sherloc (09022015). Collection method: clinical testing. Allele origin: germline.